The following is an entry in ClinVar:

ClinVar aggregate classification (germline): Likely pathogenic. Review status: criteria provided, multiple submitters, no conflicts (2 of 4 stars). 3 submissions from 3 submitters: Likely pathogenic (2). 1 of the submissions does not count toward it. Last evaluated 2024-07-23.

Conditions:
KCNQ1-related disorder. Also called: KCNQ1-related condition; KCNQ1-related disorders. Identifiers: MedGen CN239322.
Familial long QT syndrome (RWS). Also called: Congenital long QT syndrome; Romano-Ward syndrome; VENTRICULAR FIBRILLATION WITH PROLONGED QT INTERVAL. Identifiers: Orphanet 768, MedGen C1141890, MONDO:0019171.
Long QT syndrome (LQTS). Identifiers: MedGen C0023976, MeSH D008133, MONDO:0002442. Disease mechanism: loss of function. Inheritance: Various modes of inheritance.

Submissions (3):

Labcorp Genetics (formerly Invitae), Labcorp
Classification: Likely pathogenic for Long QT syndrome. Last evaluated: 2024-07-23. Review status: criteria provided, single submitter. Criteria: Invitae Variant Classification Sherloc (09022015). Collection method: clinical testing. Allele origin: germline.
Comment: This sequence change replaces glutamine, which is neutral and polar, with histidine, which is basic and polar, at codon 367 of the KCNQ1 protein (p.Gln367His). This variant is not present in population databases (gnomAD no frequency). This missense change has been observed in individuals with long QT syndrome (LQTS) (PMID: 17438609, 34505893; Invitae). ClinVar contains an entry for this variant (Variation ID: 52958). Advanced modeling of protein sequence and biophysical properties (such as structural, functional, and spatial information, amino acid conservation, physicochemical variation, residue mobility, and thermodynamic stability) performed at Invitae indicates that this missense variant is expected to disrupt KCNQ1 protein function with a positive predictive value of 95%. In summary, the currently available evidence indicates that the variant is pathogenic, but additional data are needed to prove that conclusively. Therefore, this variant has been classified as Likely Pathogenic.

Blueprint Genetics
Classification: Likely pathogenic for KCNQ1-related disorders. Last evaluated: 2021-04-06. Review status: criteria provided, single submitter. Criteria: ACMG Guidelines, 2015. Collection method: clinical testing. Allele origin: germline. Affected: yes. Observed: 2 variant alleles.

Cardiovascular Biomedical Research Unit, Royal Brompton & Harefield NHS Foundation Trust
No classification provided. Condition: Familial long QT syndrome. Review status: no classification provided. Collection method: literature only. Allele origin: germline. Not counted in ClinVar's aggregate classification.
Comment: This variant has been reported as associated with Long QT syndrome in the following publications (PMID:17438609). This is a literature report, and does not necessarily reflect the clinical interpretation of the Imperial College / Royal Brompton Cardiovascular Genetics laboratory.

Literature cited by the submitters: PubMed 17438609 (cited by Labcorp Genetics (formerly Invitae), Labcorp and Cardiovascular Biomedical Research Unit, Royal Brompton & Harefield NHS Foundation Trust); PubMed 34505893 (cited by Labcorp Genetics (formerly Invitae), Labcorp); PubMed 22581653 (cited by Cardiovascular Biomedical Research Unit, Royal Brompton & Harefield NHS Foundation Trust).

NM_000218.3(KCNQ1):c.1101G>T (p.Gln367His)

Gene: KCNQ1 (potassium voltage-gated channel subfamily Q member 1; plus strand). Cytogenetic location: 11p15.5.
Variant type: single nucleotide variant.
Coding change: c.1101G>T on transcript NM_000218.3 (MANE Select); coding-DNA position 1101, G replaced by T.
Protein change: p.Gln367His; replaces glutamine 367 with histidine.
Molecular consequence: missense variant.
Genome position (GRCh38, 1-based): chr11:2,585,280, G>T. VCF-style: chr11-2585280-G-T. GRCh37 (hg19) VCF-style: chr11-2606510-G-T.
Other names: c.1101G>T (LRG_287t1); c.831G>T, p.Gln277His (NM_001406837.1); c.720G>T, p.Gln240His (NM_181798.2); short protein forms Q367H, Q240H, Q277H.
Identifiers: ClinVar variation 52958 (VCV000052958.10), dbSNP rs199473663, ClinGen allele CA005281.